The following is an entry in ClinVar:

ClinVar aggregate classification (germline): Pathogenic (1 of 4 stars; one submission).

Submission:

Labcorp Genetics (formerly Invitae), Labcorp
Classification: Pathogenic. Last evaluated: 2025-10-17. Review status: criteria provided, single submitter. Criteria: Invitae Variant Classification Sherloc (09022015). Collection method: clinical testing. Allele origin: germline.
Comment: This sequence change creates a premature translational stop signal (p.Gly109Argfs*13) in the AFG3L2 gene. It is expected to result in an absent or disrupted protein product. Loss-of-function variants in AFG3L2 are known to be pathogenic (PMID: 32248051). This variant is not present in population databases (gnomAD no frequency). This variant has not been reported in the literature in individuals affected with AFG3L2-related conditions. Algorithms developed to predict the effect of sequence changes on RNA splicing suggest that this variant may disrupt the consensus splice site. For these reasons, this variant has been classified as Pathogenic.

Literature cited by the submitters: PubMed 32248051.

NM_006796.3(AFG3L2):c.325_332del (p.Gly109fs)

Gene: AFG3L2 (AFG3 like matrix AAA peptidase subunit 2; minus strand). Cytogenetic location: 18p11.21.
Variant type: Deletion.
Coding change: c.325_332del on transcript NM_006796.3 (MANE Select); coding-DNA positions 325 to 332, 8 bases deleted (GGAGGAGG; older notation c.325_332delGGAGGAGG).
Protein change: p.Gly109fs; shifts the reading frame from glycine 109.
Molecular consequence: frameshift variant.
Genome position (GRCh38, 1-based): chr18:12,367,343-12,367,350, CCTCCTCC deleted on the plus strand (GGAGGAGG on the coding strand, the reverse complement: AFG3L2 is on the minus strand). VCF-style (leftmost placement, unchanged base first): chr18-12367342-TCCTCCTCC-T. GRCh37 (hg19) VCF-style: chr18-12367341-TCCTCCTCC-T.
Other names: short protein forms G109fs.
Identifiers: ClinVar variation 4771070 (VCV004771070.1).
Genomic context (GRCh38, chr18:12,367,342, plus strand): 5'-AAACCTGGACCACCAGTGAGAATCATCTTTCTTGCCACCTCGTTTTCCACCGCCACCACC[TCCTCCTCC>T]AGAAGAGCGTGTGGTAGCAGCTGGCTTTGATTCTGTTCATAAACAAAGAGCACACACAGA-3'